The following is an entry in ClinVar:

ClinVar aggregate classification (germline): Uncertain significance (1 of 4 stars; one submission).

Conditions:
Hereditary cancer-predisposing syndrome. Also called: Neoplastic Syndromes, Hereditary; Tumor predisposition; Hereditary Cancer Syndrome; Hereditary neoplastic syndrome. Identifiers: Orphanet 140162, MedGen C0027672, MeSH D009386, MONDO:0015356.

gnomAD v4.1: 2 of 1,609,086 alleles (0.00012%); highest among the groups gnomAD compares: Non-Finnish European, 0.00017%; no homozygotes.

Submission:

Ambry Genetics
Classification: Uncertain significance for Hereditary cancer-predisposing syndrome. Last evaluated: 2018-05-16. Review status: criteria provided, single submitter. Criteria: Ambry Variant Classification Scheme 2023. Collection method: clinical testing. Allele origin: germline.
Comment: The p.I621R variant (also known as c.1862T>G), located in coding exon 15 of the MRE11A gene, results from a T to G substitution at nucleotide position 1862. The isoleucine at codon 621 is replaced by arginine, an amino acid with similar properties. This amino acid position is poorly conserved in available vertebrate species. In addition, this alteration is predicted to be tolerated by in silico analysis. Since supporting evidence is limited at this time, the clinical significance of this alteration remains unclear.

NM_005591.4(MRE11):c.1862T>G (p.Ile621Arg)

Gene: MRE11 (MRE11 double strand break repair nuclease; minus strand). Cytogenetic location: 11q21.
Variant type: single nucleotide variant.
Coding change: c.1862T>G on transcript NM_005591.4 (MANE Select); coding-DNA position 1862, T replaced by G.
Protein change: p.Ile621Arg; replaces isoleucine 621 with arginine.
Molecular consequence: missense variant. On other transcripts: intron variant (1).
Genome position (GRCh38, 1-based): chr11:94,445,815, A>C on the plus strand (T>G on the coding strand, the complement: MRE11 is on the minus strand). VCF-style: chr11-94445815-A-C. GRCh37 (hg19) VCF-style: chr11-94178981-A-C.
Other names: c.1859T>G, p.Ile620Arg (NM_001330347.2); c.1783+1404T>G (NM_005590.4); short protein forms I620R, I621R.
Identifiers: ClinVar variation 820210 (VCV000820210.4), dbSNP rs1591652818, ClinGen allele CA382366227.